The following is an entry in ClinVar:

NM_005562.3(LAMC2):c.1133G>A (p.Trp378Ter)

Gene: LAMC2 (laminin subunit gamma 2; plus strand). Cytogenetic location: 1q25.3.
Variant type: single nucleotide variant.
Coding change: c.1133G>A on transcript NM_005562.3 (MANE Select); coding-DNA position 1133, G replaced by A.
Protein change: p.Trp378Ter; replaces tryptophan 378 with a stop codon.
Molecular consequence: nonsense.
Genome position (GRCh38, 1-based): chr1:183,226,764, G>A. VCF-style: chr1-183226764-G-A. GRCh37 (hg19) VCF-style: chr1-183195899-G-A.
Other names: c.1133G>A, p.Trp378Ter (NM_018891.3); short protein forms W378*.
Identifiers: ClinVar variation 5012775 (VCV005012775.1).

ClinVar aggregate classification (germline): Pathogenic (1 of 4 stars; one submission).

Conditions:
Junctional epidermolysis bullosa. Identifiers: Orphanet 305, MedGen C0079301, MONDO:0017612.

gnomAD v4.1: 1 of 1,614,224 alleles (0.000062%); highest among the groups gnomAD compares: Non-Finnish European, 0.000085%; no homozygotes.

Submission:

Myriad Genetics, Inc.
Classification: Pathogenic for Junctional epidermolysis bullosa. Last evaluated: 2024-02-26. Review status: criteria provided, single submitter. Criteria: Myriad Autosomal Dominant, Autosomal Recessive and X-Linked Classification Criteria (2023). Collection method: clinical testing. Allele origin: unknown.
Comment: NM_005562.2(LAMC2):c.1133G>A(W378*) is expected to be pathogenic in the context of junctional epidermolysis bullosa, LAMC2-related. This variant is predicted to lead to an abnormal or absent protein product due to the creation of a premature termination codon in LAMC2, a gene where loss-of-function variants are known to be pathogenic. Please note: this variant was assessed in the context of healthy population screening.